The following is an entry in ClinVar:

NC_000004.11:g.(?_84185352)_(84406225_?)del

Genes: ABRAXAS1 (abraxas 1, BRCA1 A complex subunit; minus strand), COQ2 (coenzyme Q2, polyprenyltransferase; minus strand), HELQ (helicase, POLQ like; minus strand), HPSE (heparanase; minus strand), MRPS18C (mitochondrial ribosomal protein S18C; plus strand). Cytogenetic location: 4q21.23.
Variant type: Deletion.
Identifiers: ClinVar variation 2426212 (VCV002426212.3).

ClinVar aggregate classification (germline): Pathogenic (1 of 4 stars; one submission).

Submission:

Labcorp Genetics (formerly Invitae), Labcorp
Classification: Pathogenic. Last evaluated: 2022-09-13. Review status: criteria provided, single submitter. Criteria: Invitae Variant Classification Sherloc (09022015). Collection method: clinical testing. Allele origin: germline.
Comment: A gross deletion of the genomic region encompassing the full coding sequence of the COQ2 gene has been identified. Loss-of-function variants in COQ2 are known to be pathogenic (PMID: 16400613, 17374725). The boundaries of this event are unknown as they extend beyond the assayed region for this gene and therefore may encompass additional genes. This variant has not been reported in the literature in individuals affected with COQ2-related conditions. For these reasons, this variant has been classified as Pathogenic.

Literature cited by the submitters: PubMed 16400613; PubMed 17374725.